The following is an entry in ClinVar:

NM_004260.4(RECQL4):c.386C>T (p.Pro129Leu)

Gene: RECQL4 (RecQ like helicase 4; minus strand). Cytogenetic location: 8q24.3.
Variant type: single nucleotide variant.
Coding change: c.386C>T on transcript NM_004260.4 (MANE Select); coding-DNA position 386, C replaced by T.
Protein change: p.Pro129Leu; replaces proline 129 with leucine.
Molecular consequence: missense variant.
Genome position (GRCh38, 1-based): chr8:144,516,733, G>A on the plus strand (C>T on the coding strand, the complement: RECQL4 is on the minus strand). VCF-style: chr8-144516733-G-A. GRCh37 (hg19) VCF-style: chr8-145742117-G-A.
Other names: short protein forms P129L.
Identifiers: ClinVar variation 572983 (VCV000572983.11), dbSNP rs370624395, ClinGen allele CA4949309.
Genomic context (GRCh38, chr8:144,516,733, plus strand): 5'-GGGACAGGCCCTGTACCTGGGGGCTTTGGGGTGGATGCCTTAGATGAGGCTCTTCCTAGA[G>A]GCCACGGTCTGCGGCCCAGGGCTGGTCCGGCCTGGGAGGGGAACAACAGAACAGCAGGAG-3'
Protein context (NP_004251.4, residues 119-139): AGPALGRRPW[Pro129Leu]LGRASSKAST

ClinVar aggregate classification (germline): Conflicting classifications of pathogenicity. Review status: criteria provided, conflicting classifications (1 of 4 stars). 3 submissions from 3 submitters: Uncertain significance (1); Likely benign (1). 1 of the submissions does not count toward it. Last evaluated 2025-08-25.

Conditions:
RECQL4-related disorder. Also called: RECQL4-related condition; RECQL4-related disorders.
Baller-Gerold syndrome (BGS). Also called: CRANIOSYNOSTOSIS WITH RADIAL DEFECTS. Identifiers: Orphanet 1225, MedGen C0265308, MONDO:0009039, OMIM 218600.
Inborn genetic diseases. Identifiers: MedGen C0950123, MeSH D030342.

Allele frequency attached by ClinVar (database versions not stated): gnomAD exomes 0.00002; ExAC 0.00004; gnomAD 0.00005 and 0.00006; TOPMed 0.00005; ESP Exome Variant Server 0.00008; 1000 Genomes Project 30x 0.00016; 1000 Genomes Project 0.00020.
gnomAD v4.1: 18 of 1,532,426 alleles (0.0012%); highest among the groups gnomAD compares: African/African-American, 0.0083%; no homozygotes.

Submissions (3):

Labcorp Genetics (formerly Invitae), Labcorp
Classification: Uncertain significance for Baller-Gerold syndrome. Last evaluated: 2025-08-25. Review status: criteria provided, single submitter. Criteria: Invitae Variant Classification Sherloc (09022015). Collection method: clinical testing. Allele origin: germline.
Comment: This sequence change replaces proline, which is neutral and non-polar, with leucine, which is neutral and non-polar, at codon 129 of the RECQL4 protein (p.Pro129Leu). This variant is present in population databases (rs370624395, gnomAD 0.009%). This variant has not been reported in the literature in individuals affected with RECQL4-related conditions. ClinVar contains an entry for this variant (Variation ID: 572983). Invitae Evidence Modeling of protein sequence and biophysical properties (such as structural, functional, and spatial information, amino acid conservation, physicochemical variation, residue mobility, and thermodynamic stability) indicates that this missense variant is not expected to disrupt RECQL4 protein function with a negative predictive value of 80%. In summary, the available evidence is currently insufficient to determine the role of this variant in disease. Therefore, it has been classified as a Variant of Uncertain Significance.

Ambry Genetics
Classification: Likely benign for Inborn genetic diseases. Last evaluated: 2025-03-30. Review status: criteria provided, single submitter. Criteria: Ambry Variant Classification Scheme 2023. Collection method: clinical testing. Allele origin: germline.

PreventionGenetics, part of Exact Sciences
Classification: Uncertain significance for RECQL4-related condition. Last evaluated: 2024-09-19. Review status: no assertion criteria provided. Collection method: clinical testing. Allele origin: germline. Not counted in ClinVar's aggregate classification.
Comment: The RECQL4 c.386C>T variant is predicted to result in the amino acid substitution p.Pro129Leu. To our knowledge, this variant has not been reported in the literature. This variant is reported in 0.013% of alleles in individuals of Latino descent in gnomAD. At this time, the clinical significance of this variant is uncertain due to the absence of conclusive functional and genetic evidence.